The following is an entry in ClinVar:

NM_001163809.2(WDR81):c.5046C>T (p.Asp1682=)

Gene: WDR81 (WD repeat domain 81; plus strand). Cytogenetic location: 17p13.3.
Variant type: single nucleotide variant.
Coding change: c.5046C>T on transcript NM_001163809.2 (MANE Select); coding-DNA position 5046, C replaced by T.
Protein change: p.Asp1682=; no amino-acid change (aspartic acid 1682 retained).
Molecular consequence: synonymous variant.
Genome position (GRCh38, 1-based): chr17:1,734,083, C>T. VCF-style: chr17-1734083-C-T. GRCh37 (hg19) VCF-style: chr17-1637377-C-T.
Other names: c.1437C>T, p.Asp479= (NM_001163673.2); c.1365C>T, p.Asp455= (NM_001163811.2); c.1893C>T, p.Asp631= (NM_152348.4).
Identifiers: ClinVar variation 2647205 (VCV002647205.24), dbSNP rs766326721, ClinGen allele CA8273742.

ClinVar aggregate classification (germline): Likely benign (1 of 4 stars; one submission).

Allele frequency attached by ClinVar (database versions not stated): TOPMed 0.00002; ExAC 0.00003; gnomAD 0.00004.
gnomAD v4.1: 65 of 1,603,040 alleles (0.0041%); highest among the groups gnomAD compares: East Asian, 0.02%; 1 homozygote.

Submission:

CeGaT Center for Human Genetics Tuebingen
Classification: Likely benign. Last evaluated: 2024-03-01. Review status: criteria provided, single submitter. Criteria: CeGaT Center For Human Genetics Tuebingen Variant Classification Criteria Version 2. Collection method: clinical testing. Allele origin: germline. Affected: yes. Observed: 2 variant alleles.
Comment: WDR81: BP4, BP7